The following is an entry in ClinVar:

NM_000297.4(PKD2):c.1671_1678del (p.Phe558fs)

Gene: PKD2 (polycystin 2, transient receptor potential cation channel; plus strand). Cytogenetic location: 4q22.1.
Variant type: Deletion.
Coding change: c.1671_1678del on transcript NM_000297.4 (MANE Select); coding-DNA positions 1671 to 1678, 8 bases deleted (GTTCAACA; older notation c.1671_1678delGTTCAACA).
Protein change: p.Phe558fs; shifts the reading frame from phenylalanine 558.
Molecular consequence: frameshift variant. On other transcripts: non-coding transcript variant (1).
Genome position (GRCh38, 1-based): chr4:88,052,113-88,052,120, GTTCAACA deleted; deleting any 8 consecutive bases within chr4:88,052,110-88,052,120 gives the same sequence; the c. name uses the placement nearest the transcript's 3' end. VCF-style (leftmost placement, unchanged base first): chr4-88052109-TACAGTTCA-T. GRCh37 (hg19) VCF-style: chr4-88973261-TACAGTTCA-T.
Other names: c.1671_1678del8 (NM_000297.3); c.1671_1678del (NM_000297.3); short protein forms F558fs.
Identifiers: ClinVar variation 448032 (VCV000448032.4), dbSNP rs1553926529, ClinGen allele CA658657393.
Genomic context (GRCh38, chr4:88,052,109, plus strand): 5'-TACAGTTTCTGGAAGATCAAAATACTTTCCCCAACTTTGAGCATCTGGCATATTGGCAGA[TACAGTTCA>T]ACAATATAGCTGCTGTCACAGTATTTTTTGTCTGGATTAAGGTAATTTATAAATTTCATG-3'

ClinVar aggregate classification (germline): Pathogenic. Review status: criteria provided, multiple submitters, no conflicts (2 of 4 stars). 3 submissions from 3 submitters: Pathogenic (3). Last evaluated 2026-01-12.

Conditions:
PKD2-related disorder. Also called: PKD2-related condition.
Polycystic kidney disease 2 (PKD2). Also called: Polycystic Kidney Disease 2, Autosomal Dominant; POLYCYSTIC KIDNEY DISEASE, ADULT, TYPE II; POLYCYSTIC KIDNEY DISEASE 2 WITH OR WITHOUT POLYCYSTIC LIVER DISEASE. Identifiers: MedGen C2751306, MONDO:0013131, OMIM 613095.

Submissions (3):

PreventionGenetics, part of Exact Sciences
Classification: Pathogenic for PKD2-related condition. Last evaluated: 2026-01-12. Review status: criteria provided, single submitter. Criteria: ACMG Guidelines, 2015. Collection method: clinical testing. Allele origin: germline.
Comment: The PKD2 c.1671_1678del8 variant is predicted to result in a frameshift and premature protein termination (p.Phe558Tyrfs*12). To our knowledge, this variant has not been reported in the literature or in a large population database (gnomAD), indicating this variant is rare. Frameshift variants in PKD2 are expected to be pathogenic. This variant is interpreted as pathogenic.

Rady Children's Institute for Genomic Medicine, Rady Children's Hospital San Diego
Classification: Pathogenic for Polycystic kidney disease 2. Last evaluated: 2025-02-11. Review status: criteria provided, single submitter. Criteria: ACMG Guidelines, 2015. Collection method: clinical testing. Allele origin: germline. Affected: yes.
Comment: This frameshifting variant in exon 7 of 15 is predicted to result in loss of normal protein function through either protein truncation or nonsense-mediated mRNA decay. Loss-of-function variation in PKD2 is an established mechanism of disease (PMID: 28356211). This variant has not been previously reported or functionally characterized in the literature to our knowledge. The c.1671_1678del (p.Phe558TyrfsTer12) variant is absent from the latest version of the gnomAD population database and thus is presumed to be rare. Based on the available evidence, c.1671_1678del (p.Phe558TyrfsTer12) is classified as Pathogenic.

Athena Diagnostics
Classification: Pathogenic. Last evaluated: 2017-01-18. Review status: criteria provided, single submitter. Criteria: Athena Diagnostics Criteria. Collection method: clinical testing. Allele origin: germline.

Literature cited by the submitters: PubMed 28356211 (cited by Rady Children's Institute for Genomic Medicine, Rady Children's Hospital San Diego).